The following is an entry in ClinVar:

ClinVar aggregate classification (germline): Likely benign. Review status: criteria provided, multiple submitters, no conflicts (2 of 4 stars). 5 submissions from 5 submitters: Likely benign (4). 1 of the submissions does not count toward it. Last evaluated 2026-09-01.

Conditions:
MSTO1-related disorder. Also called: MSTO1‑Related Disease.

Allele frequency attached by ClinVar (database versions not stated): gnomAD 0.00003; gnomAD exomes 0.00004; ExAC 0.00014; 1000 Genomes Project 30x 0.00016; 1000 Genomes Project 0.00040.
gnomAD v4.1: 57 of 1,589,722 alleles (0.0036%); highest among the groups gnomAD compares: Middle Eastern, 0.034%; no homozygotes.

Submissions (5):

CeGaT Center for Human Genetics Tuebingen
Classification: Likely benign. Last evaluated: 2026-09-01. Review status: criteria provided, single submitter. Criteria: CeGaT Center For Human Genetics Tuebingen Variant Classification Criteria Version 2. Collection method: clinical testing. Allele origin: germline. Affected: yes. Observed: 4 variant alleles.
Comment: MSTO1: BP4, BP7

Blueprint Genetics
Classification: Likely benign. Last evaluated: 2024-11-25. Review status: criteria provided, single submitter. Criteria: ACMG Guidelines, 2015. Collection method: clinical testing. Allele origin: germline.

Mayo Clinic Laboratories, Mayo Clinic
Classification: Likely benign. Last evaluated: 2023-03-27. Review status: criteria provided, single submitter. Criteria: ACMG Guidelines, 2015. Collection method: clinical testing. Allele origin: germline. Observed: 2 variant alleles.
Comment: BP4, BP7

Labcorp Genetics (formerly Invitae), Labcorp
Classification: Likely benign. Last evaluated: 2022-06-05. Review status: criteria provided, single submitter. Criteria: Invitae Variant Classification Sherloc (09022015). Collection method: clinical testing. Allele origin: germline.

PreventionGenetics, part of Exact Sciences
Classification: Likely benign for MSTO1-related condition. Last evaluated: 2019-05-23. Review status: no assertion criteria provided. Collection method: clinical testing. Allele origin: germline. Not counted in ClinVar's aggregate classification.
Comment: This variant is classified as likely benign based on ACMG/AMP sequence variant interpretation guidelines (Richards et al. 2015 PMID: 25741868, with internal and published modifications).

NM_018116.4(MSTO1):c.780C>T (p.Thr260=)

Gene: MSTO1 (misato mitochondrial distribution and morphology regulator 1; plus strand). Cytogenetic location: 1q22.
Variant type: single nucleotide variant.
Coding change: c.780C>T on transcript NM_018116.4 (MANE Select); coding-DNA position 780, C replaced by T.
Protein change: p.Thr260=; no amino-acid change (threonine 260 retained).
Molecular consequence: synonymous variant. On other transcripts: non-coding transcript variant (6).
Genome position (GRCh38, 1-based): chr1:155,612,283, C>T. VCF-style: chr1-155612283-C-T. GRCh37 (hg19) VCF-style: chr1-155582074-C-T.
Other names: p.Thr260=; c.780C>T (NM_018116.3); c.780C>T, p.Thr260= (NM_001256532.1, NM_001256533.1, NM_001350772.1 and 3 more transcripts); c.615C>T, p.Thr205= (NM_001350776.1); c.249C>T, p.Thr83= (NM_001350777.1, NM_001350778.1, NM_001350779.1); c.246C>T, p.Thr82= (NM_001350780.1, NM_001350781.1, NM_001350782.1 and 3 more transcripts); c.237C>T, p.Thr79= (NM_001350784.1, NM_001350785.1, NM_001350787.1 and 1 more transcripts).
Identifiers: ClinVar variation 2075309 (VCV002075309.31), dbSNP rs423975, ClinGen allele CA1148011.
Genomic context (GRCh38, chr1:155,612,283, plus strand): 5'-GGTAGGCGCGAAGGCGGCAGAGCTGCTACAAGATGAATATTCAGGGCGGGGAATAATAAC[C>T]TGGGGCCTGCTACCTGGTCCCTACCATCGTGGGGTGAGTGGAACTTAGAGAAGTAAACAG-3'
Protein context (NP_060586.2, residues 250-270): QDEYSGRGII[Thr260=]WGLLPGPYHR